The following is an entry in ClinVar:

ClinVar aggregate classification (germline): Conflicting classifications of pathogenicity. Review status: criteria provided, conflicting classifications (1 of 4 stars). 11 submissions from 11 submitters: Uncertain significance (8); Likely benign (1). 2 of the submissions do not count toward it. Last evaluated 2025-12-14.

Conditions:
Hereditary cancer-predisposing syndrome. Also called: Tumor predisposition; Neoplastic Syndromes, Hereditary; Hereditary neoplastic syndrome; Hereditary Cancer Syndrome. Identifiers: Orphanet 140162, MedGen C0027672, MeSH D009386, MONDO:0015356.
Hereditary breast ovarian cancer syndrome. Also called: Hereditary breast and ovarian cancer; Hereditary breast and ovarian cancer syndrome (HBOC); Hereditary breast and/or ovarian cancer syndrome; Breast and ovarian cancer; Hereditary breast and ovarian cancer syndrome; BRCA1- and BRCA2-Associated Hereditary Breast and Ovarian Cancer. Identifiers: Orphanet 145, MedGen C0677776, MeSH D061325, MONDO:0003582. Disease mechanism: loss of function.
Breast-ovarian cancer, familial, susceptibility to, 2 (BROVCA2). Also called: BRCA2 Hereditary Breast and Ovarian Cancer. Identifiers: Orphanet 145, MedGen C2675520, MONDO:0012933, OMIM 612555. Disease mechanism: loss of function.

Allele frequency attached by ClinVar (database versions not stated): gnomAD 0.00001; TOPMed 0.00001; gnomAD exomes below 0.00001; ExAC 0.00001.
gnomAD v4.1: 4 of 1,590,552 alleles (0.00025%); highest among the groups gnomAD compares: African/African-American, 0.0055%; no homozygotes.

Submissions (11):

Labcorp Genetics (formerly Invitae), Labcorp
Classification: Uncertain significance for Hereditary breast ovarian cancer syndrome. Last evaluated: 2025-12-14. Review status: criteria provided, single submitter. Criteria: Invitae Variant Classification Sherloc (09022015). Collection method: clinical testing. Allele origin: germline.
Comment: This sequence change replaces serine, which is neutral and polar, with phenylalanine, which is neutral and non-polar, at codon 313 of the BRCA2 protein (p.Ser313Phe). This variant is present in population databases (rs397507428, gnomAD 0.007%). This missense change has been observed in individual(s) with prostrate cancer (PMID: 29368341). ClinVar contains an entry for this variant (Variation ID: 38238). Invitae Evidence Modeling of protein sequence and biophysical properties (such as structural, functional, and spatial information, amino acid conservation, physicochemical variation, residue mobility, and thermodynamic stability) indicates that this missense variant is not expected to disrupt BRCA2 protein function with a negative predictive value of 95%. In summary, the available evidence is currently insufficient to determine the role of this variant in disease. Therefore, it has been classified as a Variant of Uncertain Significance.

Quest Diagnostics Nichols Institute San Juan Capistrano
Classification: Uncertain significance. Last evaluated: 2025-09-10. Review status: criteria provided, single submitter. Criteria: Quest Diagnostics criteria. Collection method: clinical testing. Allele origin: unknown.
Comment: The BRCA2 c.938C>T (p.Ser313Phe) variant has been reported in the published literature in individuals with breast cancer (PMID: 25186627 (2015)) and prostate cancer (PMID: 29368341 (2018)). The variant has also been reported in an individual with ovarian cancer, however it is unknown if this variant was observed in the somatic or germline state (PMID: 31556562 (2019)), and described to be located in a region of the BRCA2 gene that is tolerant to missense sequence changes (PMID: 31911673 (2020)). The frequency of this variant in the general population (Genome Aggregation Database) is uninformative in the assessment of its pathogenicity. Analysis of this variant using bioinformatics tools for the prediction of the effect of amino acid changes on protein structure and function yielded predictions that this variant is benign. Based on the available information, we are unable to determine the clinical significance of this variant.

Color Diagnostics, LLC DBA Color Health
Classification: Uncertain significance for Hereditary cancer-predisposing syndrome. Last evaluated: 2024-03-29. Review status: criteria provided, single submitter. Criteria: ACMG Guidelines, 2015. Collection method: clinical testing. Allele origin: germline.
Comment: This missense variant replaces serine with phenylalanine at codon 313 of the BRCA2 protein. Computational prediction suggests that this variant may not impact protein structure and function. To our knowledge, functional studies have not been reported for this variant. This variant has been reported in individual affected with breast or prostate cancer (PMID: 25186627, 29368341). This variant has been identified in 1/233168 chromosomes in the general population by the Genome Aggregation Database (gnomAD). The available evidence is insufficient to determine the role of this variant in disease conclusively. Therefore, this variant is classified as a Variant of Uncertain Significance.

Ambry Genetics
Classification: Uncertain significance for Hereditary cancer-predisposing syndrome. Last evaluated: 2023-12-18. Review status: criteria provided, single submitter. Criteria: Ambry Variant Classification Scheme 2023. Collection method: clinical testing. Allele origin: germline.
Comment: The p.S313F variant (also known as c.938C>T), located in coding exon 9 of the BRCA2 gene, results from a C to T substitution at nucleotide position 938. The serine at codon 313 is replaced by phenylalanine, an amino acid with highly dissimilar properties. This alteration has been identified in individuals diagnosed with breast and prostate cancer (Tung N et al. Cancer, 2015 Jan;121:25-33; Isaacsson Velho P et al. Prostate, 2018 04;78:401-407). This amino acid position is poorly conserved in available vertebrate species. In addition, this alteration is predicted to be tolerated by in silico analysis. Since supporting evidence is limited at this time, the clinical significance of this alteration remains unclear.

All of Us Research Program, National Institutes of Health
Classification: Uncertain significance for Breast-ovarian cancer, familial, susceptibility to, 2. Last evaluated: 2023-08-15. Review status: criteria provided, single submitter. Criteria: ACMG Guidelines, 2015. Collection method: clinical testing. Allele origin: germline. Inheritance: Autosomal dominant inheritance. Observed: 1 variant allele, 1 heterozygote.
Comment: This study involves interpretation of variants in research participants for the purpose of population health screening. Participant phenotype was not available at the time of variant classification. Additional details can be found in publication PMID: 35346344, PMCID: PMC8962531

GeneDx
Classification: Uncertain significance. Last evaluated: 2023-06-16. Review status: criteria provided, single submitter. Criteria: GeneDx Variant Classification Process June 2021. Collection method: clinical testing. Allele origin: germline. Affected: yes.
Comment: Not observed at significant frequency in large population cohorts (gnomAD); In silico analysis supports that this missense variant does not alter protein structure/function; Also known as 1166C>T; This variant is associated with the following publications: (PMID: 32377563, 29884841, 31556562, 25186627, 29368341, 31853058, 31911673)

University of Washington Department of Laboratory Medicine, University of Washington
Classification: Likely benign for Hereditary cancer-predisposing syndrome. Last evaluated: 2023-03-23. Review status: criteria provided, single submitter. Criteria: Dines et al. (Genet Med. 2020). Collection method: curation. Allele origin: germline.
Comment: Missense variant in a coldspot region where missense variants are very unlikely to be pathogenic (PMID:31911673).

BRCA2 exon 10 coldspot. Reclassification based on statistical prior probability.

Sema4
Classification: Uncertain significance for Hereditary cancer-predisposing syndrome. Last evaluated: 2021-12-14. Review status: criteria provided, single submitter. Criteria: Sema4 Curation Guidelines. Collection method: curation. Allele origin: germline.
Comment: The BRCA2 c.938C>T (p.S313F) variant has been reported in 2 individuals with breast and prostate cancer (PMID 29368341, 25186627). This variant was observed in 1/233168 chromosomes, in the large and broad cohorts of the Genome Aggregation Database (PMID: 32461654). This variant has been reported in ClinVar (Variation ID 38238). Functional studies have not been performed, and in silico predictions of the variant's effect on protein function are inconclusive. The overall evidence is insufficient to meet ACMG/AMP criteria for classifying it as benign or pathogenic. In summary, the clinical significance of this variant is currently uncertain.

Women's Health and Genetics/Laboratory Corporation of America, LabCorp
Classification: Uncertain significance. Last evaluated: 2020-07-17. Review status: criteria provided, single submitter. Criteria: LabCorp Variant Classification Summary - May 2015. Collection method: clinical testing. Allele origin: germline.
Comment: Variant summary: BRCA2 c.938C>T (p.Ser313Phe) results in a non-conservative amino acid change in the encoded protein sequence. Three of five in-silico tools predict a benign effect of the variant on protein function. The variant allele was found at a frequency of 4.3e-06 in 233168 control chromosomes (gnomAD). The available data on variant occurrences in the general population are insufficient to allow any conclusion about variant significance. c.938C>T has been reported in the literature in individuals affected with breast cancer or prostate cancer (Tung_2014, Isaacsson_2018). These reports do not provide unequivocal conclusions about association of the variant with Hereditary Breast And Ovarian Cancer Syndrome. To our knowledge, no experimental evidence demonstrating an impact on protein function has been reported. Four ClinVar submitters (evaluation after 2014) cite the variant as uncertain significance. Based on the evidence outlined above, the variant was classified as uncertain significance.

Counsyl
Classification: Uncertain significance for Breast-ovarian cancer, familial, susceptibility to, 2. Last evaluated: 2018-05-01. Review status: no assertion criteria provided. Collection method: clinical testing. Allele origin: unknown. Not counted in ClinVar's aggregate classification.

Sharing Clinical Reports Project (SCRP)
Classification: Uncertain significance for Breast-ovarian cancer, familial 2. Last evaluated: 2011-01-19. Review status: no assertion criteria provided. Collection method: clinical testing. Allele origin: germline. Not counted in ClinVar's aggregate classification.

Literature cited by the submitters: PubMed 29368341 (cited by 6 submitters); PubMed 25186627 (cited by 6 submitters); PubMed 31556562 (cited by Quest Diagnostics Nichols Institute San Juan Capistrano); PubMed 31911673 (cited by Quest Diagnostics Nichols Institute San Juan Capistrano).

NM_000059.4(BRCA2):c.938C>T (p.Ser313Phe)

Gene: BRCA2 (BRCA2 DNA repair associated; plus strand). Cytogenetic location: 13q13.1.
Variant type: single nucleotide variant.
Coding change: c.938C>T on transcript NM_000059.4 (MANE Select); coding-DNA position 938, C replaced by T.
Protein change: p.Ser313Phe; replaces serine 313 with phenylalanine.
Molecular consequence: missense variant.
Genome position (GRCh38, 1-based): chr13:32,332,416, C>T. VCF-style: chr13-32332416-C-T. GRCh37 (hg19) VCF-style: chr13-32906553-C-T.
Other names: 1166C>T; short protein forms S313F.
Identifiers: ClinVar variation 38238 (VCV000038238.27), dbSNP rs397507428, ClinGen allele CA026132.
Genomic context (GRCh38, chr13:32,332,416, plus strand): 5'-ATGAAGTATATGAAACAGTTGTAGATACCTCTGAAGAAGATAGTTTTTCATTATGTTTTT[C>T]TAAATGTAGAACAAAAAATCTACAAAAAGTAAGAACTAGCAAGACTAGGAAAAAAATTTT-3'
Protein context (NP_000050.3, residues 303-323): SEEDSFSLCF[Ser313Phe]KCRTKNLQKV